The following is an entry in ClinVar:

ClinVar aggregate classification (germline): Uncertain significance (1 of 4 stars; one submission).

Conditions:
Catecholaminergic polymorphic ventricular tachycardia (CVPT). Also called: Catecholamine-induced polymorphic ventricular tachycardia. Identifiers: Orphanet 3286, MedGen C5574922, MONDO:0017990.

Submission:

All of Us Research Program, National Institutes of Health
Classification: Uncertain significance for Catecholaminergic polymorphic ventricular tachycardia. Last evaluated: 2023-06-26. Review status: criteria provided, single submitter. Criteria: ACMG Guidelines, 2015. Collection method: clinical testing. Allele origin: germline. Inheritance: Autosomal dominant inheritance. Observed: 1 variant allele, 1 heterozygote.
Comment: This variant causes a C to G nucleotide substitution at the -9 position of intron 45 of the RYR2 gene. To our knowledge, functional studies have not been reported for this variant. This variant has not been reported in individuals affected with RYR2-related disorders in the literature. This variant has not been identified in the general population by the Genome Aggregation Database (gnomAD). The available evidence is insufficient to determine the role of this variant in disease conclusively. Therefore, this variant is classified as a Variant of Uncertain Significance.

This study involves interpretation of variants in research participants for the purpose of population health screening. Participant phenotype was not available at the time of variant classification. Additional details can be found in publication PMID: 35346344, PMCID: PMC8962531

NM_001035.3(RYR2):c.6929-9C>G

Gene: RYR2 (ryanodine receptor 2; plus strand). Cytogenetic location: 1q43.
Variant type: single nucleotide variant.
Coding change: c.6929-9C>G on transcript NM_001035.3 (MANE Select); 9 bases into the intron before coding-DNA position 6929, C replaced by G.
Molecular consequence: intron variant.
Genome position (GRCh38, 1-based): chr1:237,639,006, C>G. VCF-style: chr1-237639006-C-G. GRCh37 (hg19) VCF-style: chr1-237802306-C-G.
Identifiers: ClinVar variation 3072242 (VCV003072242.1), dbSNP rs2546963612, ClinGen allele CA2825000947.